The following is an entry in ClinVar:

ClinVar aggregate classification (germline): Pathogenic (1 of 4 stars; one submission).

Conditions:
Tyrosinase-positive oculocutaneous albinism (OCA2). Also called: ALBINISM II; Oculocutaneous albinism type 2; Albinism, oculocutaneous, type II. Identifiers: Orphanet 79432, MedGen C0268495, MONDO:0008746, OMIM 203200.

Submission:

Myriad Genetics, Inc.
Classification: Pathogenic for Tyrosinase-positive oculocutaneous albinism. Last evaluated: 2025-07-13. Review status: criteria provided, single submitter. Criteria: Myriad Autosomal Dominant, Autosomal Recessive and X-Linked Classification Criteria (2023). Collection method: clinical testing. Allele origin: unknown.
Comment: NM_000275.2(OCA2):c.979_980delGT(V327Rfs*21) is expected to be pathogenic in the context of oculocutaneous albinism, OCA2-related. This variant is predicted to lead to an abnormal or absent protein product due to the creation of a premature termination codon in OCA2, a gene where loss-of-function variants are known to be pathogenic. Please note: this variant was assessed in the context of healthy population screening.

NM_000275.3(OCA2):c.979_980del (p.Val327fs)

Gene: OCA2 (OCA2 melanosomal transmembrane protein; minus strand). Cytogenetic location: 15q13.1.
Variant type: Microsatellite.
Coding change: c.979_980del on transcript NM_000275.3 (MANE Select); coding-DNA positions 979 to 980, 2 bases deleted (GT; older notation c.979_980delGT).
Protein change: p.Val327fs; shifts the reading frame from valine 327.
Molecular consequence: frameshift variant.
Genome position (GRCh38, 1-based): chr15:28,014,840-28,014,841, AC deleted on the plus strand (GT on the coding strand, the reverse complement: OCA2 is on the minus strand); deleting any 2 consecutive bases within chr15:28,014,840-28,014,843 gives the same sequence; the c. name uses the placement nearest the transcript's 3' end. VCF-style (leftmost placement, unchanged base first): chr15-28014839-TAC-T. GRCh37 (hg19) VCF-style: chr15-28259985-TAC-T.
Other names: c.979_980del, p.Val327fs (NM_001300984.2); short protein forms V327fs.
Identifiers: ClinVar variation 5014717 (VCV005014717.1).